The following is an entry in ClinVar:

ClinVar aggregate classification (germline): Uncertain significance (1 of 4 stars; one submission).

Conditions:
Cardiomyopathy (CMYO). Also called: Cardiomyopathies. Identifiers: Orphanet 167848, MedGen C0878544, MONDO:0004994, HP:0001638. Inheritance: Various modes of inheritance.

Allele frequency attached by ClinVar (database versions not stated): gnomAD exomes below 0.00001.
gnomAD v4.1: 1 of 1,614,234 alleles (0.000062%); highest among the groups gnomAD compares: African/African-American, 0.0013%; no homozygotes.

Submission:

Color Diagnostics, LLC DBA Color Health
Classification: Uncertain significance for Cardiomyopathy. Last evaluated: 2023-12-04. Review status: criteria provided, single submitter. Criteria: ACMG Guidelines, 2015. Collection method: clinical testing. Allele origin: germline.
Comment: This missense variant replaces aspartic acid with glycine at codon 2512 of the DSP protein. Computational prediction tools and conservation analyses are inconclusive regarding the impact of this variant on the protein function. Computational splicing tools suggest that this variant may not impact RNA splicing. To our knowledge, functional assays have not been performed for this variant nor has this variant been reported in individuals affected with cardiovascular disorders in the literature. This variant has not been identified in the general population by the Genome Aggregation Database (gnomAD). Available evidence is insufficient to determine the role of this variant in disease conclusively. Therefore, this variant is classified as a Variant of Uncertain Significance.

NM_004415.4(DSP):c.7535A>G (p.Asp2512Gly)

Gene: DSP (desmoplakin; plus strand). Cytogenetic location: 6p24.3.
Variant type: single nucleotide variant.
Coding change: c.7535A>G on transcript NM_004415.4 (MANE Select); coding-DNA position 7535, A replaced by G.
Protein change: p.Asp2512Gly; replaces aspartic acid 2512 with glycine.
Molecular consequence: missense variant.
Genome position (GRCh38, 1-based): chr6:7,584,797, A>G. VCF-style: chr6-7584797-A-G. GRCh37 (hg19) VCF-style: chr6-7585030-A-G.
Other names: c.5738A>G, p.Asp1913Gly (NM_001008844.3); c.6206A>G, p.Asp2069Gly (NM_001319034.2); short protein forms D1913G, D2512G, D2069G.
Identifiers: ClinVar variation 923309 (VCV000923309.5), dbSNP rs1759575116, ClinGen allele CA362693233.
Genomic context (GRCh38, chr6:7,584,797, plus strand): 5'-CCTTCAAAGAACTGTGTGAGCAGGAATGTGAATGGGAAGAAATAACCATCACGGGATCAG[A>G]TGGCTCCACCAGGGTGGTCCTGGTAGATAGAAAGACAGGCAGTCAGTATGATATTCAAGA-3'
Protein context (NP_004406.2, residues 2502-2522): EWEEITITGS[Asp2512Gly]GSTRVVLVDR